The following is an entry in ClinVar:

ClinVar aggregate classification (germline): Conflicting classifications of pathogenicity. Review status: criteria provided, conflicting classifications (1 of 4 stars). 2 submissions from 2 submitters: Likely pathogenic (1); Uncertain significance (1). Last evaluated 2026-01-14.

Conditions:
COL7A1-related disorder. Also called: COL7A1- related disorders; COL7A1-related condition.

Allele frequency attached by ClinVar (database versions not stated): ExAC 0.00001; gnomAD exomes 0.00002; TOPMed 0.00002; gnomAD 0.00004.
gnomAD v4.1: 42 of 1,614,048 alleles (0.0026%); highest among the groups gnomAD compares: Non-Finnish European, 0.0035%; no homozygotes.

Submissions (2):

Labcorp Genetics (formerly Invitae), Labcorp
Classification: Likely pathogenic. Last evaluated: 2026-01-14. Review status: criteria provided, single submitter. Criteria: Invitae Variant Classification Sherloc (09022015). Collection method: clinical testing. Allele origin: germline.
Comment: This sequence change replaces cysteine, which is neutral and slightly polar, with arginine, which is basic and polar, at codon 2876 of the COL7A1 protein (p.Cys2876Arg). This variant is present in population databases (rs774144118, gnomAD 0.0009%). This variant has not been reported in the literature in individuals affected with COL7A1-related conditions. ClinVar contains an entry for this variant (Variation ID: 2143364). Invitae Evidence Modeling of protein sequence and biophysical properties (such as structural, functional, and spatial information, amino acid conservation, physicochemical variation, residue mobility, and thermodynamic stability) indicates that this missense variant is expected to disrupt COL7A1 protein function with a positive predictive value of 95%. This variant disrupts the p.Cys2876 amino acid residue in COL7A1. Other variant(s) that disrupt this residue have been determined to be pathogenic (PMID: 16189623, 32484238, 34046686). This suggests that this residue is clinically significant, and that variants that disrupt this residue are likely to be disease-causing. In summary, the currently available evidence indicates that the variant is pathogenic, but additional data are needed to prove that conclusively. Therefore, this variant has been classified as Likely Pathogenic.

PreventionGenetics, part of Exact Sciences
Classification: Uncertain significance for COL7A1-related condition. Last evaluated: 2025-09-25. Review status: criteria provided, single submitter. Criteria: ACMG Guidelines, 2015. Collection method: clinical testing. Allele origin: germline.
Comment: The COL7A1 c.8626T>C variant is predicted to result in the amino acid substitution p.Cys2876Arg. To our knowledge, this variant has not been reported in the literature. This variant is reported in 0.0018% of alleles in individuals of European (non-Finnish) descent in gnomAD. A different nucleotide change affecting the same amino acid (c.8627G>T, p.Cys2876Phe) has been reported along with COL7A1 protein truncating variants in unrelated individuals with autosomal recessive dystrophic epidermolysis bullosa (described as C2875F in Sawamura et al. 2005. PubMed ID: 16189623; Table S3, Chen et al. 2020. PubMed ID: 32484238; Yu et al. 2021. PubMed ID: 34046686). Although we suspect that the c.8626T>C (p.Cys2876Arg) variant may be pathogenic, at this time, the clinical significance of this variant is uncertain due to the absence of conclusive functional and genetic evidence.

Literature cited by the submitters: PubMed 16189623 (cited by Labcorp Genetics (formerly Invitae), Labcorp); PubMed 32484238 (cited by Labcorp Genetics (formerly Invitae), Labcorp); PubMed 34046686 (cited by Labcorp Genetics (formerly Invitae), Labcorp).

NM_000094.4(COL7A1):c.8626T>C (p.Cys2876Arg)

Gene: COL7A1 (collagen type VII alpha 1 chain; minus strand). Cytogenetic location: 3p21.31.
Variant type: single nucleotide variant.
Coding change: c.8626T>C on transcript NM_000094.4 (MANE Select); coding-DNA position 8626, T replaced by C.
Protein change: p.Cys2876Arg; replaces cysteine 2876 with arginine.
Molecular consequence: missense variant.
Genome position (GRCh38, 1-based): chr3:48,564,975, A>G on the plus strand (T>C on the coding strand, the complement: COL7A1 is on the minus strand). VCF-style: chr3-48564975-A-G. GRCh37 (hg19) VCF-style: chr3-48602408-A-G.
Other names: short protein forms C2876R.
Identifiers: ClinVar variation 2143364 (VCV002143364.5), dbSNP rs774144118, ClinGen allele CA2377905.